The following is an entry in ClinVar:

NM_001845.6(COL4A1):c.4943C>T (p.Ser1648Phe)

Gene: COL4A1 (collagen type IV alpha 1 chain; minus strand). Cytogenetic location: 13q34.
Variant type: single nucleotide variant.
Coding change: c.4943C>T on transcript NM_001845.6 (MANE Select); coding-DNA position 4943, C replaced by T.
Protein change: p.Ser1648Phe; replaces serine 1648 with phenylalanine.
Molecular consequence: missense variant.
Genome position (GRCh38, 1-based): chr13:110,150,430, G>A on the plus strand (C>T on the coding strand, the complement: COL4A1 is on the minus strand). VCF-style: chr13-110150430-G-A. GRCh37 (hg19) VCF-style: chr13-110802777-G-A.
Other names: short protein forms S1648F.
Identifiers: ClinVar variation 3684959 (VCV003684959.2).
Genomic context (GRCh38, chr13:110,150,430, plus strand): 5'-CTTCTCATACAGACTTGGCAGCGGCTGACGTGCGTGCGCAGCTCCCCTGCCTTCAAGGTG[G>A]ACGGCGTAGGCTTCCTAAAACACGACACAGAGACAGACCATTGGCCATCATCTCACAGCA-3'
Protein context (NP_001836.3, residues 1638-1658): RSEMFKKPTP[Ser1648Phe]TLKAGELRTH

ClinVar aggregate classification (germline): Uncertain significance (1 of 4 stars; one submission).

gnomAD v4.1: 5 of 1,614,078 alleles (0.00031%); highest among the groups gnomAD compares: Middle Eastern, 0.016%; no homozygotes.

Submission:

Labcorp Genetics (formerly Invitae), Labcorp
Classification: Uncertain significance. Last evaluated: 2025-01-07. Review status: criteria provided, single submitter. Criteria: Invitae Variant Classification Sherloc (09022015). Collection method: clinical testing. Allele origin: germline.
Comment: This sequence change replaces serine, which is neutral and polar, with phenylalanine, which is neutral and non-polar, at codon 1648 of the COL4A1 protein (p.Ser1648Phe). This variant is present in population databases (no rsID available, gnomAD 0.003%). This variant has not been reported in the literature in individuals affected with COL4A1-related conditions. Invitae Evidence Modeling of protein sequence and biophysical properties (such as structural, functional, and spatial information, amino acid conservation, physicochemical variation, residue mobility, and thermodynamic stability) has been performed for this missense variant. However, the output from this modeling did not meet the statistical confidence thresholds required to predict the impact of this variant on COL4A1 protein function. In summary, the available evidence is currently insufficient to determine the role of this variant in disease. Therefore, it has been classified as a Variant of Uncertain Significance.